The following is an entry in ClinVar:

ClinVar aggregate classification (germline): Uncertain significance (1 of 4 stars; one submission).

gnomAD v4.1: 6 of 1,613,634 alleles (0.00037%); highest among the groups gnomAD compares: African/African-American, 0.0053%; no homozygotes.

Submission:

Labcorp Genetics (formerly Invitae), Labcorp
Classification: Uncertain significance. Last evaluated: 2024-10-28. Review status: criteria provided, single submitter. Criteria: Invitae Variant Classification Sherloc (09022015). Collection method: clinical testing. Allele origin: germline.
Comment: This sequence change replaces proline, which is neutral and non-polar, with leucine, which is neutral and non-polar, at codon 613 of the COL4A1 protein (p.Pro613Leu). This variant is present in population databases (no rsID available, gnomAD 0.003%). This variant has not been reported in the literature in individuals affected with COL4A1-related conditions. ClinVar contains an entry for this variant (Variation ID: 2158150). Invitae Evidence Modeling of protein sequence and biophysical properties (such as structural, functional, and spatial information, amino acid conservation, physicochemical variation, residue mobility, and thermodynamic stability) indicates that this missense variant is not expected to disrupt COL4A1 protein function with a negative predictive value of 95%. In summary, the available evidence is currently insufficient to determine the role of this variant in disease. Therefore, it has been classified as a Variant of Uncertain Significance.

NM_001845.6(COL4A1):c.1838C>T (p.Pro613Leu)

Gene: COL4A1 (collagen type IV alpha 1 chain; minus strand). Cytogenetic location: 13q34.
Variant type: single nucleotide variant.
Coding change: c.1838C>T on transcript NM_001845.6 (MANE Select); coding-DNA position 1838, C replaced by T.
Protein change: p.Pro613Leu; replaces proline 613 with leucine.
Molecular consequence: missense variant.
Genome position (GRCh38, 1-based): chr13:110,186,444, G>A on the plus strand (C>T on the coding strand, the complement: COL4A1 is on the minus strand). VCF-style: chr13-110186444-G-A. GRCh37 (hg19) VCF-style: chr13-110838791-G-A.
Other names: short protein forms P613L.
Identifiers: ClinVar variation 2158150 (VCV002158150.4), dbSNP rs146091004, ClinGen allele CA256264875.